The following is an entry in ClinVar:

ClinVar aggregate classification (germline): Uncertain significance (1 of 4 stars; one submission).

Conditions:
Hereditary cancer-predisposing syndrome. Also called: Hereditary Cancer Syndrome; Neoplastic Syndromes, Hereditary; Tumor predisposition; Hereditary neoplastic syndrome. Identifiers: Orphanet 140162, MedGen C0027672, MeSH D009386, MONDO:0015356.

Submission:

Ambry Genetics
Classification: Uncertain significance for Hereditary cancer-predisposing syndrome. Last evaluated: 2017-03-13. Review status: criteria provided, single submitter. Criteria: Ambry Variant Classification Scheme 2023. Collection method: clinical testing. Allele origin: germline.
Comment: The p.R258G variant (also known as c.772C>G), located in coding exon 5 of the RAD51C gene, results from a C to G substitution at nucleotide position 772. The arginine at codon 258 is replaced by glycine, an amino acid with dissimilar properties. To our knowledge, this alteration has not been reported in published literature to date; however, homozygosity for another missense alteration at the same codon (p.R258H) has been described as causative of Fanconi anemia type O (FA-O) in a consanguineous Pakistani kindred (Vaz F et al. Nat Genet. 2010 May;42(5):406-9). This amino acid position is well conserved in available vertebrate species. In addition, the p.R258G alteration is predicted to be probably damaging and deleterious by PolyPhen and SIFT in silico analyses, respectively. Since supporting evidence is limited at this time, the clinical significance of this alteration remains unclear.

Literature cited by the submitters: PubMed 20400963.

NM_058216.3(RAD51C):c.772C>G (p.Arg258Gly)

Gene: RAD51C (RAD51 paralog C; plus strand). Cytogenetic location: 17q22.
Variant type: single nucleotide variant.
Coding change: c.772C>G on transcript NM_058216.3 (MANE Select); coding-DNA position 772, C replaced by G.
Protein change: p.Arg258Gly; replaces arginine 258 with glycine.
Molecular consequence: missense variant. On other transcripts: non-coding transcript variant (1).
Genome position (GRCh38, 1-based): chr17:58,709,925, C>G. VCF-style: chr17-58709925-C-G. GRCh37 (hg19) VCF-style: chr17-56787286-C-G.
Other names: short protein forms R258G.
Identifiers: ClinVar variation 480518 (VCV000480518.5), dbSNP rs587782474, ClinGen allele CA400353827.